The following is an entry in ClinVar:

ClinVar aggregate classification (germline): Likely benign. Review status: criteria provided, multiple submitters, no conflicts (2 of 4 stars). 2 submissions from 2 submitters: Likely benign (2). Last evaluated 2025-09-02.

Conditions:
Argininosuccinate lyase deficiency. Also called: Argininosuccinic aciduria; ARGININOSUCCINIC ACID LYASE DEFICIENCY; ASL DEFICIENCY. Identifiers: Orphanet 23, MedGen C0268547, MONDO:0008815, OMIM 207900, HP:0025630.

Allele frequency attached by ClinVar (database versions not stated): TOPMed below 0.00001; gnomAD exomes 0.00005; ExAC 0.00007.
gnomAD v4.1: 74 of 1,614,054 alleles (0.0046%); highest among the groups gnomAD compares: South Asian, 0.046%; 1 homozygote.

Submissions (2):

Labcorp Genetics (formerly Invitae), Labcorp
Classification: Likely benign for Argininosuccinate lyase deficiency. Last evaluated: 2025-09-02. Review status: criteria provided, single submitter. Criteria: Invitae Variant Classification Sherloc (09022015). Collection method: clinical testing. Allele origin: germline.

CeGaT Center for Human Genetics Tuebingen
Classification: Likely benign. Last evaluated: 2023-01-01. Review status: criteria provided, single submitter. Criteria: CeGaT Center For Human Genetics Tuebingen Variant Classification Criteria Version 2. Collection method: clinical testing. Allele origin: germline. Affected: yes. Observed: 1 variant allele.
Comment: ASL: BP4, BP7

NM_000048.4(ASL):c.90C>T (p.Tyr30=)

Gene: ASL (argininosuccinate lyase; plus strand). Cytogenetic location: 7q11.21.
Variant type: single nucleotide variant.
Coding change: c.90C>T on transcript NM_000048.4 (MANE Select); coding-DNA position 90, C replaced by T.
Protein change: p.Tyr30=; no amino-acid change (tyrosine 30 retained).
Molecular consequence: synonymous variant.
Genome position (GRCh38, 1-based): chr7:66,081,880, C>T. VCF-style: chr7-66081880-C-T. GRCh37 (hg19) VCF-style: chr7-65546867-C-T.
Other names: c.90C>T, p.Tyr30= (NM_001024943.2, NM_001024944.2, NM_001024946.2).
Identifiers: ClinVar variation 529430 (VCV000529430.35), dbSNP rs751062108, ClinGen allele CA4276826.
Genomic context (GRCh38, chr7:66,081,880, plus strand): 5'-TGGCCGGTTTGTGGGTGCAGTGGACCCCATCATGGAGAAGTTCAACGCGTCCATTGCCTA[C>T]GACCGGCACCTTTGGGAGGTGGATGTTCAAGGCAGCAAAGCCTACAGCAGGGGCCTGGAG-3'
Protein context (NP_000039.2, residues 20-40): IMEKFNASIA[Tyr30=]DRHLWEVDVQ